The following is an entry in ClinVar:

NM_024685.4(BBS10):c.1075C>G (p.Gln359Glu)

Gene: BBS10 (Bardet-Biedl syndrome 10; minus strand). Cytogenetic location: 12q21.2.
Variant type: single nucleotide variant.
Coding change: c.1075C>G on transcript NM_024685.4 (MANE Select); coding-DNA position 1075, C replaced by G.
Protein change: p.Gln359Glu; replaces glutamine 359 with glutamic acid.
Molecular consequence: missense variant.
Genome position (GRCh38, 1-based): chr12:76,346,910, G>C on the plus strand (C>G on the coding strand, the complement: BBS10 is on the minus strand). VCF-style: chr12-76346910-G-C. GRCh37 (hg19) VCF-style: chr12-76740690-G-C.
Other names: c.1075C>G (NM_024685.3); short protein forms Q359E.
Identifiers: ClinVar variation 1423758 (VCV001423758.10), dbSNP rs767572725, ClinGen allele CA6694228.

ClinVar aggregate classification (germline): Conflicting classifications of pathogenicity. Review status: criteria provided, conflicting classifications (1 of 4 stars). 5 submissions from 5 submitters: Uncertain significance (3); Likely benign (1). 1 of the submissions does not count toward it. Last evaluated 2024-12-16.

Conditions:
BBS10-related disorder. Also called: BBS10-related condition.
Bardet-Biedl syndrome (BBS). Identifiers: Orphanet 110, MedGen C0752166, MONDO:0015229.
Bardet-Biedl syndrome 10 (BBS10). Identifiers: Orphanet 110, MedGen C1859568, MONDO:0014438, OMIM 615987.

Allele frequency attached by ClinVar (database versions not stated): gnomAD 0.00003; TOPMed 0.00006; gnomAD exomes 0.00008.
gnomAD v4.1: 54 of 1,612,552 alleles (0.0033%); highest among the groups gnomAD compares: Admixed American, 0.09%; no homozygotes.

Submissions (5):

Labcorp Genetics (formerly Invitae), Labcorp
Classification: Uncertain significance for Bardet-Biedl syndrome. Last evaluated: 2024-12-16. Review status: criteria provided, single submitter. Criteria: Invitae Variant Classification Sherloc (09022015). Collection method: clinical testing. Allele origin: germline.
Comment: This sequence change replaces glutamine, which is neutral and polar, with glutamic acid, which is acidic and polar, at codon 359 of the BBS10 protein (p.Gln359Glu). This variant is present in population databases (rs767572725, gnomAD 0.1%). This variant has not been reported in the literature in individuals affected with BBS10-related conditions. ClinVar contains an entry for this variant (Variation ID: 1423758). Invitae Evidence Modeling of protein sequence and biophysical properties (such as structural, functional, and spatial information, amino acid conservation, physicochemical variation, residue mobility, and thermodynamic stability) indicates that this missense variant is not expected to disrupt BBS10 protein function with a negative predictive value of 80%. In summary, the available evidence is currently insufficient to determine the role of this variant in disease. Therefore, it has been classified as a Variant of Uncertain Significance.

Fulgent Genetics
Classification: Uncertain significance for Bardet-Biedl syndrome 10. Last evaluated: 2024-06-24. Review status: criteria provided, single submitter. Criteria: ACMG Guidelines, 2015. Collection method: clinical testing. Allele origin: germline.

GeneDx
Classification: Uncertain significance. Last evaluated: 2024-04-11. Review status: criteria provided, single submitter. Criteria: GeneDx Variant Classification Process June 2021. Collection method: clinical testing. Allele origin: germline. Affected: yes.
Comment: In silico analysis indicates that this missense variant does not alter protein structure/function; Has not been previously published as pathogenic or benign to our knowledge

Blueprint Genetics
Classification: Likely benign. Last evaluated: 2023-07-04. Review status: criteria provided, single submitter. Criteria: ACMG Guidelines, 2015. Collection method: clinical testing. Allele origin: germline.

PreventionGenetics, part of Exact Sciences
Classification: Likely benign for BBS10-related condition. Last evaluated: 2020-06-24. Review status: no assertion criteria provided. Collection method: clinical testing. Allele origin: germline. Not counted in ClinVar's aggregate classification.
Comment: This variant is classified as likely benign based on ACMG/AMP sequence variant interpretation guidelines (Richards et al. 2015 PMID: 25741868, with internal and published modifications).